The following is an entry in ClinVar:

NM_001385125.1(OPN1SW):c.507G>C (p.Trp169Cys)

Gene: OPN1SW (opsin 1, short wave sensitive; minus strand). Cytogenetic location: 7q32.1.
Variant type: single nucleotide variant.
Coding change: c.507G>C on transcript NM_001385125.1 (MANE Select); coding-DNA position 507, G replaced by C.
Protein change: p.Trp169Cys; replaces tryptophan 169 with cysteine.
Molecular consequence: missense variant.
Genome position (GRCh38, 1-based): chr7:128,774,991, C>G on the plus strand (G>C on the coding strand, the complement: OPN1SW is on the minus strand). VCF-style: chr7-128774991-C-G. GRCh37 (hg19) VCF-style: chr7-128415045-C-G.
Other names: short protein forms W169C.
Identifiers: ClinVar variation 2101796 (VCV002101796.4), dbSNP rs775951590, ClinGen allele CA4472926.

ClinVar aggregate classification (germline): Uncertain significance (1 of 4 stars; one submission).

Allele frequency attached by ClinVar (database versions not stated): gnomAD exomes below 0.00001; ExAC 0.00002.
gnomAD v4.1: 2 of 1,614,098 alleles (0.00012%); highest among the groups gnomAD compares: East Asian, 0.0045%; no homozygotes.

Submission:

Labcorp Genetics (formerly Invitae), Labcorp
Classification: Uncertain significance. Last evaluated: 2022-06-11. Review status: criteria provided, single submitter. Criteria: Invitae Variant Classification Sherloc (09022015). Collection method: clinical testing. Allele origin: germline.
Comment: This variant has not been reported in the literature in individuals affected with OPN1SW-related conditions. This variant is present in population databases (rs775951590, gnomAD 0.01%). This sequence change replaces tryptophan, which is neutral and slightly polar, with cysteine, which is neutral and slightly polar, at codon 172 of the OPN1SW protein (p.Trp172Cys). Algorithms developed to predict the effect of missense changes on protein structure and function (SIFT, PolyPhen-2, Align-GVGD) all suggest that this variant is likely to be disruptive. In summary, the available evidence is currently insufficient to determine the role of this variant in disease. Therefore, it has been classified as a Variant of Uncertain Significance.